The following is an entry in ClinVar:

ClinVar aggregate classification (germline): Likely pathogenic (1 of 4 stars; one submission).

Conditions:
Deficiency of hyaluronoglucosaminidase (MPS9). Also called: MPS IX; Mucopolysaccharidosis type 9; HYALURONIDASE DEFICIENCY. Identifiers: Orphanet 67041, MedGen C1291490, MONDO:0011093, OMIM 601492.

Submission:

Natera, Inc.
Classification: Likely pathogenic for Mucopolysaccharidosis type IX. Last evaluated: 2024-09-01. Review status: criteria provided, single submitter. Criteria: Natera Variant Classification Schema (03/2026). Collection method: clinical testing. Allele origin: germline.
Comment: The c.782_785del variant in HYAL1 is a frameshift variant predicted to shift the reading frame beginning at codon 261 and leads to a stop codon 61 codons downstream. This variant is expected to result in nonsense mediated decay, truncation, or a dysfunctional protein product. This variant is rare in the general population with a frequency below the threshold expected for the associated phenotype(s). Given the available evidence, this variant is classified as Likely Pathogenic.

NM_033159.4(HYAL1):c.782_785del (p.Tyr261fs)

Gene: HYAL1 (hyaluronidase 1; minus strand). Cytogenetic location: 3p21.31.
Variant type: Microsatellite.
Coding change: c.782_785del on transcript NM_033159.4 (MANE Select); coding-DNA positions 782 to 785, 4 bases deleted (ATGT; older notation c.782_785delATGT).
Protein change: p.Tyr261fs; shifts the reading frame from tyrosine 261.
Molecular consequence: frameshift variant. On other transcripts: initiator codon variant (1), non-coding transcript variant (1).
Genome position (GRCh38, 1-based): chr3:50,302,172-50,302,175, ACAT deleted on the plus strand (ATGT on the coding strand, the reverse complement: HYAL1 is on the minus strand); deleting any 4 consecutive bases within chr3:50,302,172-50,302,179 gives the same sequence; the c. name uses the placement nearest the transcript's 3' end. VCF-style (leftmost placement, unchanged base first): chr3-50302171-CACAT-C. GRCh37 (hg19) VCF-style: chr3-50339602-CACAT-C.
Other names: c.782_785del, p.Tyr261fs (NM_153281.2, NM_153282.3); c.236_239del, p.Tyr79fs (NM_153283.3); c.5_8del, p.Tyr2fs (NM_153285.3); short protein forms Y261fs, Y2fs, Y79fs.
Identifiers: ClinVar variation 4816914 (VCV004816914.1).